The following is an entry in ClinVar:

NM_033109.5(PNPT1):c.1496-7A>G

Gene: PNPT1 (polyribonucleotide nucleotidyltransferase 1; minus strand). Cytogenetic location: 2p16.1.
Variant type: single nucleotide variant.
Coding change: c.1496-7A>G on transcript NM_033109.5 (MANE Select); 7 bases into the intron before coding-DNA position 1496, A replaced by G.
Molecular consequence: intron variant.
Genome position (GRCh38, 1-based): chr2:55,647,460, T>C on the plus strand (A>G on the coding strand, the complement: PNPT1 is on the minus strand). VCF-style: chr2-55647460-T-C. GRCh37 (hg19) VCF-style: chr2-55874595-T-C.
Identifiers: ClinVar variation 3695392 (VCV003695392.2).

ClinVar aggregate classification (germline): Uncertain significance (1 of 4 stars; one submission).

gnomAD v4.1: 6 of 1,597,934 alleles (0.00038%); highest among the groups gnomAD compares: African/African-American, 0.0013%; no homozygotes.

Submission:

Labcorp Genetics (formerly Invitae), Labcorp
Classification: Uncertain significance. Last evaluated: 2024-05-12. Review status: criteria provided, single submitter. Criteria: Invitae Variant Classification Sherloc (09022015). Collection method: clinical testing. Allele origin: germline.
Comment: This sequence change falls in intron 18 of the PNPT1 gene. It does not directly change the encoded amino acid sequence of the PNPT1 protein. This variant is present in population databases (rs766889604, gnomAD 0.007%). This variant has not been reported in the literature in individuals affected with PNPT1-related conditions. Algorithms developed to predict the effect of sequence changes on RNA splicing suggest that this variant may disrupt the consensus splice site. In summary, the available evidence is currently insufficient to determine the role of this variant in disease. Therefore, it has been classified as a Variant of Uncertain Significance.